The following is an entry in ClinVar:

ClinVar aggregate classification (germline): Uncertain significance (1 of 4 stars; one submission).

Conditions:
Focal segmental glomerulosclerosis 5 (FSGS5). Identifiers: Orphanet 656, MedGen C2750475, MONDO:0013191, OMIM 613237.
Charcot-Marie-Tooth disease dominant intermediate E. Also called: CHARCOT-MARIE-TOOTH NEUROPATHY WITH FOCAL SEGMENTAL GLOMERULONEPHRITIS. Identifiers: Orphanet 93114, MedGen C4302667, MONDO:0013758, OMIM 614455.

Allele frequency attached by ClinVar (database versions not stated): gnomAD exomes below 0.00001; gnomAD 0.00001; TOPMed 0.00001.
gnomAD v4.1: 4 of 1,610,028 alleles (0.00025%); highest among the groups gnomAD compares: Non-Finnish European, 0.00034%; no homozygotes.

Submission:

Labcorp Genetics (formerly Invitae), Labcorp
Classification: Uncertain significance for Charcot-Marie-Tooth disease dominant intermediate E; Focal segmental glomerulosclerosis 5. Last evaluated: 2023-09-06. Review status: criteria provided, single submitter. Criteria: Invitae Variant Classification Sherloc (09022015). Collection method: clinical testing. Allele origin: germline.
Comment: This variant has not been reported in the literature in individuals affected with INF2-related conditions. This variant is present in population databases (no rsID available, gnomAD 0.0009%). This sequence change replaces serine, which is neutral and polar, with leucine, which is neutral and non-polar, at codon 874 of the INF2 protein (p.Ser874Leu). In summary, the available evidence is currently insufficient to determine the role of this variant in disease. Therefore, it has been classified as a Variant of Uncertain Significance. Advanced modeling of protein sequence and biophysical properties (such as structural, functional, and spatial information, amino acid conservation, physicochemical variation, residue mobility, and thermodynamic stability) performed at Invitae indicates that this missense variant is not expected to disrupt INF2 protein function.

NM_022489.4(INF2):c.2621C>T (p.Ser874Leu)

Gene: INF2 (inverted formin 2; plus strand). Cytogenetic location: 14q32.33.
Variant type: single nucleotide variant.
Coding change: c.2621C>T on transcript NM_022489.4 (MANE Select); coding-DNA position 2621, C replaced by T.
Protein change: p.Ser874Leu; replaces serine 874 with leucine.
Molecular consequence: missense variant.
Genome position (GRCh38, 1-based): chr14:104,712,838, C>T. VCF-style: chr14-104712838-C-T. GRCh37 (hg19) VCF-style: chr14-105179175-C-T.
Other names: c.2621C>T, p.Ser874Leu (NM_001031714.4, NM_001426862.1, NM_001426863.1 and 2 more transcripts); short protein forms S874L.
Identifiers: ClinVar variation 2928478 (VCV002928478.3), dbSNP rs1288069245, ClinGen allele CA391222112.